The following is an entry in ClinVar:

ClinVar aggregate classification (germline): Uncertain significance (1 of 4 stars; one submission).

Submission:

Labcorp Genetics (formerly Invitae), Labcorp
Classification: Uncertain significance. Last evaluated: 2021-05-18. Review status: criteria provided, single submitter. Criteria: Invitae Variant Classification Sherloc (09022015). Collection method: clinical testing. Allele origin: germline.
Comment: In summary, the available evidence is currently insufficient to determine the role of this variant in disease. Therefore, it has been classified as a Variant of Uncertain Significance. Experimental studies and prediction algorithms are not available or were not evaluated, and the functional significance of this variant is currently unknown. This variant has not been reported in the literature in individuals with SCP2-related conditions. This variant is not present in population databases (ExAC no frequency). This sequence change creates a premature translational stop signal (p.Ala532Serfs*3) in the SCP2 gene. While this is not anticipated to result in nonsense mediated decay, it is expected to disrupt the last 16 amino acid(s) of the SCP2 protein.

NM_002979.5(SCP2):c.1592_1593dup (p.Ala532fs)

Gene: SCP2 (sterol carrier protein 2; plus strand). Cytogenetic location: 1p32.3.
Variant type: Microsatellite.
Coding change: c.1592_1593dup on transcript NM_002979.5 (MANE Select); coding-DNA positions 1592 to 1593, 2 bases duplicated (TC; older notation c.1592_1593dupTC).
Protein change: p.Ala532fs; shifts the reading frame from alanine 532.
Molecular consequence: frameshift variant. On other transcripts: 3 prime UTR variant (1).
Genome position (GRCh38, 1-based): chr1:53,050,652-53,050,653, TC duplicated; duplicating any 2 consecutive bases within chr1:53,050,650-53,050,653 gives the same sequence; the c. name uses the placement nearest the transcript's 3' end. VCF-style (leftmost placement, unchanged base first): chr1-53050649-G-GTC. GRCh37 (hg19) VCF-style: chr1-53516321-G-GTC.
Other names: c.380_381dup, p.Ala128fs (NM_001007099.3); c.371_372dup, p.Ala125fs (NM_001007100.3); c.*68TC[3] (NM_001007250.3); c.1520_1521dup, p.Ala508fs (NM_001193599.2); c.1460_1461dup, p.Ala488fs (NM_001193600.2); c.1349_1350dup, p.Ala451fs (NM_001193617.2); short protein forms A128fs, A125fs, A488fs, A508fs, A532fs, A451fs.
Identifiers: ClinVar variation 1451008 (VCV001451008.8), dbSNP rs2150282517, ClinGen allele CA2580611447.
Genomic context (GRCh38, chr1:53,050,649, plus strand): 5'-ATTTTCTTTCTTCTTCACAGGCCTTCTTTCAAGGCAAATTGAAAATCACTGGCAACATGG[G>GTC]TCTCGCTATGAAGTTACAAAATCTTCAGCTTCAGCCAGGCAACGCTAAGCTCTGAAGAAC-3'